The following is an entry in ClinVar:

ClinVar aggregate classification (germline): Likely pathogenic (1 of 4 stars; one submission).

Conditions:
Pheochromocytoma. Also called: MAX-Related Hereditary Paraganglioma-Pheochromocytoma Syndrome. Identifiers: Orphanet 29072, MedGen C0031511, MONDO:0008233, OMIM 171300, HP:0002666.
Gastrointestinal stromal tumor. Also called: Gastrointestinal stromal tumor, somatic; Gastrointestinal stroma tumor. Identifiers: Orphanet 44890, MedGen C0238198, MeSH D046152, MONDO:0011719, OMIM 606764, HP:0100723.
Pheochromocytoma/paraganglioma syndrome 4. Also called: CAROTID BODY TUMORS AND MULTIPLE EXTRAADRENAL PHEOCHROMOCYTOMAS; PARAGANGLIOMA, FAMILIAL MALIGNANT; PARAGANGLIOMAS, HEREDITARY EXTRAADRENAL; PHEOCHROMOCYTOMA, FAMILIAL EXTRAADRENAL; Paragangliomas 4; SDHB-Related Hereditary Paraganglioma-Pheochromocytoma Syndrome (Paragangliomas 4). Identifiers: Orphanet 29072, MedGen C1861848, MONDO:0007273, OMIM 115310.

Submission:

Labcorp Genetics (formerly Invitae), Labcorp
Classification: Likely pathogenic for Gastrointestinal stromal tumor; Pheochromocytoma/paraganglioma syndrome 4; Pheochromocytoma. Last evaluated: 2022-02-18. Review status: criteria provided, single submitter. Criteria: Invitae Variant Classification Sherloc (09022015). Collection method: clinical testing. Allele origin: unknown.
Comment: This variant results in a copy number gain of the genomic region encompassing exon(s) 2 of the SDHB gene. While the exact position of this variant cannot be determined from the data, sub-genic copy number gains are generally in tandem (PMID: 25640679). This variant is predicted to be out-of-frame, and may result in an absent or disrupted protein product. Loss-of-function variants in SDHB are known to be pathogenic (PMID: 19454582, 19802898). This variant has not been reported in the literature in individuals affected with SDHB-related conditions. Experimental studies and prediction algorithms are not available or were not evaluated, and the functional significance of this variant is currently unknown. In summary, the currently available evidence indicates that the variant is pathogenic, but additional data are needed to prove that conclusively. Therefore, this variant has been classified as Likely Pathogenic.

Literature cited by the submitters: PubMed 25640679; PubMed 19454582; PubMed 19802898.

NC_000001.10:g.(?_17371236)_(17371403_?)dup

Gene: SDHB (succinate dehydrogenase complex iron sulfur subunit B; minus strand). Cytogenetic location: 1p36.13.
Variant type: Duplication.
Identifiers: ClinVar variation 3247656 (VCV003247656.1).